The following is an entry in ClinVar:

NM_181705.4(LYRM7):c.5G>A (p.Gly2Glu)

Gene: LYRM7 (LYR motif containing 7; plus strand). Cytogenetic location: 5q23.3.
Variant type: single nucleotide variant.
Coding change: c.5G>A on transcript NM_181705.4 (MANE Select); coding-DNA position 5, G replaced by A.
Protein change: p.Gly2Glu; replaces glycine 2 with glutamic acid.
Molecular consequence: missense variant. On other transcripts: non-coding transcript variant (1).
Genome position (GRCh38, 1-based): chr5:131,171,025, G>A. VCF-style: chr5-131171025-G-A. GRCh37 (hg19) VCF-style: chr5-130506718-G-A.
Other names: c.5G>A, p.Gly2Glu (NM_001293735.2); c.5G>A (NM_181705.2); short protein forms G2E.
Identifiers: ClinVar variation 1702672 (VCV001702672.3), dbSNP rs755037848, ClinGen allele CA3398699.

ClinVar aggregate classification (germline): Uncertain significance. Review status: criteria provided, multiple submitters, no conflicts (2 of 4 stars). 2 submissions from 2 submitters: Uncertain significance (2). Last evaluated 2025-08-28.

Conditions:
Inborn genetic diseases. Identifiers: MedGen C0950123, MeSH D030342.

Allele frequency attached by ClinVar (database versions not stated): TOPMed 0.00002; ExAC 0.00003; gnomAD exomes 0.00003.
gnomAD v4.1: 22 of 1,540,504 alleles (0.0014%); highest among the groups gnomAD compares: Admixed American, 0.014%; no homozygotes.

Submissions (2):

Ambry Genetics
Classification: Uncertain significance for Inborn genetic diseases. Last evaluated: 2025-08-28. Review status: criteria provided, single submitter. Criteria: Ambry Variant Classification Scheme 2023. Collection method: clinical testing. Allele origin: germline.

GeneDx
Classification: Uncertain significance. Last evaluated: 2022-08-22. Review status: criteria provided, single submitter. Criteria: GeneDx Variant Classification Process June 2021. Collection method: clinical testing. Allele origin: germline. Affected: yes.
Comment: In silico analysis supports that this missense variant does not alter protein structure/function; Has not been previously published as pathogenic or benign to our knowledge